The following is an entry in ClinVar:

ClinVar aggregate classification (germline): Uncertain significance (1 of 4 stars; one submission).

Allele frequency attached by ClinVar (database versions not stated): gnomAD exomes 0.00001.
gnomAD v4.1: 7 of 1,610,266 alleles (0.00043%); highest among the groups gnomAD compares: Non-Finnish European, 0.00059%; no homozygotes.

Submission:

Labcorp Genetics (formerly Invitae), Labcorp
Classification: Uncertain significance. Last evaluated: 2022-03-27. Review status: criteria provided, single submitter. Criteria: Invitae Variant Classification Sherloc (09022015). Collection method: clinical testing. Allele origin: germline.
Comment: This sequence change replaces glycine, which is neutral and non-polar, with alanine, which is neutral and non-polar, at codon 308 of the AHDC1 protein (p.Gly308Ala). This variant is not present in population databases (gnomAD no frequency). This variant has not been reported in the literature in individuals affected with AHDC1-related conditions. Algorithms developed to predict the effect of missense changes on protein structure and function are either unavailable or do not agree on the potential impact of this missense change (SIFT: "Deleterious"; PolyPhen-2: "Possibly Damaging"; Align-GVGD: "Class C0"). In summary, the available evidence is currently insufficient to determine the role of this variant in disease. Therefore, it has been classified as a Variant of Uncertain Significance.

NM_001371928.1(AHDC1):c.923G>C (p.Gly308Ala)

Gene: AHDC1 (AT-hook DNA binding motif containing 1; minus strand). Cytogenetic location: 1p36.11.
Variant type: single nucleotide variant.
Coding change: c.923G>C on transcript NM_001371928.1 (MANE Select); coding-DNA position 923, G replaced by C.
Protein change: p.Gly308Ala; replaces glycine 308 with alanine.
Molecular consequence: missense variant.
Genome position (GRCh38, 1-based): chr1:27,551,193, C>G on the plus strand (G>C on the coding strand, the complement: AHDC1 is on the minus strand). VCF-style: chr1-27551193-C-G. GRCh37 (hg19) VCF-style: chr1-27877704-C-G.
Other names: c.923G>C, p.Gly308Ala (NM_001029882.3); short protein forms G308A.
Identifiers: ClinVar variation 1938991 (VCV001938991.5), dbSNP rs2522056809, ClinGen allele CA339235735.